The following is an entry in ClinVar:

ClinVar aggregate classification (germline): Conflicting classifications of pathogenicity. Review status: criteria provided, conflicting classifications (1 of 4 stars). 2 submissions from 2 submitters: Uncertain significance (1); Likely benign (1). Last evaluated 2025-09-26.

Conditions:
CIC-related disorder. Also called: CIC-related condition.
Inborn genetic diseases. Identifiers: MedGen C0950123, MeSH D030342.

Submissions (2):

PreventionGenetics, part of Exact Sciences
Classification: Uncertain significance for CIC-related condition. Last evaluated: 2025-09-26. Review status: criteria provided, single submitter. Criteria: ACMG Guidelines, 2015. Collection method: clinical testing. Allele origin: germline.
Comment: The CIC c.1930G>A variant is predicted to result in the amino acid substitution p.Gly644Arg. To our knowledge, this variant has not been reported in the literature. This variant is reported in 0.020% of alleles in individuals of African descent in gnomAD. At this time, the clinical significance of this variant is uncertain due to the absence of conclusive functional and genetic evidence.

Ambry Genetics
Classification: Likely benign for Inborn genetic diseases. Last evaluated: 2025-08-29. Review status: criteria provided, single submitter. Criteria: Ambry Variant Classification Scheme 2023. Collection method: clinical testing. Allele origin: germline.

NM_001386298.1(CIC):c.4657G>A (p.Gly1553Arg)

Gene: CIC (capicua transcriptional repressor; plus strand). Cytogenetic location: 19q13.2.
Variant type: single nucleotide variant.
Coding change: c.4657G>A on transcript NM_001386298.1 (MANE Select); coding-DNA position 4657, G replaced by A.
Protein change: p.Gly1553Arg; replaces glycine 1553 with arginine.
Molecular consequence: missense variant.
Genome position (GRCh38, 1-based): chr19:42,290,698, G>A. VCF-style: chr19-42290698-G-A. GRCh37 (hg19) VCF-style: chr19-42794850-G-A.
Other names: c.1930G>A, p.Gly644Arg (NM_001379484.1, NM_001379485.1, NM_001439189.1 and 3 more transcripts); c.4657G>A, p.Gly1553Arg (NM_001439183.1, NM_001439184.1, NM_001439185.1 and 6 more transcripts); short protein forms G644R, G1553R.
Identifiers: ClinVar variation 4228913 (VCV004228913.2).